The following is an entry in ClinVar:

NM_004364.5(CEBPA):c.977A>T (p.Lys326Met)

Gene: CEBPA (CCAAT enhancer binding protein alpha; minus strand). Cytogenetic location: 19q13.11.
Variant type: single nucleotide variant.
Coding change: c.977A>T on transcript NM_004364.5 (MANE Select); coding-DNA position 977, A replaced by T.
Protein change: p.Lys326Met; replaces lysine 326 with methionine.
Molecular consequence: missense variant.
Genome position (GRCh38, 1-based): chr19:33,301,438, T>A on the plus strand (A>T on the coding strand, the complement: CEBPA is on the minus strand). VCF-style: chr19-33301438-T-A. GRCh37 (hg19) VCF-style: chr19-33792344-T-A.
Other names: c.620A>T, p.Lys207Met (NM_001285829.2); c.1082A>T, p.Lys361Met (NM_001287424.2); c.935A>T, p.Lys312Met (NM_001287435.2); short protein forms K207M, K312M, K326M, K361M.
Identifiers: ClinVar variation 4868684 (VCV004868684.1).

ClinVar aggregate classification (germline): Uncertain significance (1 of 4 stars; one submission).

Conditions:
Inborn genetic diseases. Identifiers: MedGen C0950123, MeSH D030342.

Submission:

Ambry Genetics
Classification: Uncertain significance for Inborn genetic diseases. Last evaluated: 2026-05-14. Review status: criteria provided, single submitter. Criteria: Ambry Variant Classification Scheme 2023. Collection method: clinical testing. Allele origin: germline.
Comment: The p.K326M variant (also known as c.977A>T), located in coding exon 1 of the CEBPA gene, results from an A to T substitution at nucleotide position 977. The lysine at codon 326 is replaced by methionine, an amino acid with similar properties. This amino acid position is conserved. In addition, this alteration is predicted to be tolerated by in silico analysis. Based on the available evidence, the clinical significance of this variant remains unclear.